The following is an entry in ClinVar:

NM_014363.6(SACS):c.11091C>T (p.Leu3697=)

Gene: SACS (sacsin molecular chaperone; minus strand). Cytogenetic location: 13q12.12.
Variant type: single nucleotide variant.
Coding change: c.11091C>T on transcript NM_014363.6 (MANE Select); coding-DNA position 11091, C replaced by T.
Protein change: p.Leu3697=; no amino-acid change (leucine 3697 retained).
Molecular consequence: synonymous variant.
Genome position (GRCh38, 1-based): chr13:23,332,785, G>A on the plus strand (C>T on the coding strand, the complement: SACS is on the minus strand). VCF-style: chr13-23332785-G-A. GRCh37 (hg19) VCF-style: chr13-23906924-G-A.
Other names: c.10650C>T, p.Leu3550= (NM_001278055.2).
Identifiers: ClinVar variation 696010 (VCV000696010.19), dbSNP rs369430972, ClinGen allele CA6910341.
Genomic context (GRCh38, chr13:23,332,785, plus strand): 5'-TTTAATGCTTAAGGGTGTAGCTTTCTCTGGAAGAATAGGGCAGGATGTCCATAACAGCTG[G>A]AGTACATCACATTGCTTGAATTTTGGATTTACCTGTGCTCCATTGAACTTTATAAGAGGA-3'
Protein context (NP_055178.3, residues 3687-3707): VNPKFKQCDV[Leu3697=]QLLWTSCPIL

ClinVar aggregate classification (germline): Likely benign. Review status: criteria provided, multiple submitters, no conflicts (2 of 4 stars). 5 submissions from 5 submitters: Likely benign (5). Last evaluated 2026-01-23.

Conditions:
SACS-related disorder. Also called: SACS-related condition.
Spastic paraplegia. Identifiers: MedGen C0037772, HP:0001258.

Allele frequency attached by ClinVar (database versions not stated): TOPMed 0.00003; gnomAD 0.00005 and 0.00006; gnomAD exomes 0.00006; ExAC 0.00007; ESP Exome Variant Server 0.00008.
gnomAD v4.1: 99 of 1,613,812 alleles (0.0061%); highest among the groups gnomAD compares: Non-Finnish European, 0.0078%; no homozygotes.

Submissions (5):

PreventionGenetics, part of Exact Sciences
Classification: Likely benign for SACS-related condition. Last evaluated: 2026-01-23. Review status: criteria provided, single submitter. Criteria: ACMG Guidelines, 2015. Collection method: clinical testing. Allele origin: germline.
Comment: This variant is classified as likely benign based on ACMG/AMP sequence variant interpretation guidelines (Richards et al. 2015 PMID: 25741868, with internal and published modifications).

CeGaT Center for Human Genetics Tuebingen
Classification: Likely benign. Last evaluated: 2025-09-01. Review status: criteria provided, single submitter. Criteria: CeGaT Center For Human Genetics Tuebingen Variant Classification Criteria Version 2. Collection method: clinical testing. Allele origin: germline. Affected: yes. Observed: 1 variant allele.
Comment: SACS: BP4, BP7

Women's Health and Genetics/Laboratory Corporation of America, LabCorp
Classification: Likely benign. Last evaluated: 2025-07-31. Review status: criteria provided, single submitter. Criteria: LabCorp Variant Classification Summary - May 2015. Collection method: clinical testing. Allele origin: germline.

Labcorp Genetics (formerly Invitae), Labcorp
Classification: Likely benign for Spastic paraplegia. Last evaluated: 2024-01-04. Review status: criteria provided, single submitter. Criteria: Invitae Variant Classification Sherloc (09022015). Collection method: clinical testing. Allele origin: germline.

Blueprint Genetics
Classification: Likely benign. Last evaluated: 2023-08-24. Review status: criteria provided, single submitter. Criteria: ACMG Guidelines, 2015. Collection method: clinical testing. Allele origin: germline.